The following is an entry in ClinVar:

NM_004525.3(LRP2):c.3667+6T>C

Gene: LRP2 (LDL receptor related protein 2; minus strand). Cytogenetic location: 2q31.1.
Variant type: single nucleotide variant.
Coding change: c.3667+6T>C on transcript NM_004525.3 (MANE Select); 6 bases into the intron after coding-DNA position 3667, T replaced by C.
Molecular consequence: intron variant.
Genome position (GRCh38, 1-based): chr2:169,242,950, A>G on the plus strand (T>C on the coding strand, the complement: LRP2 is on the minus strand). VCF-style: chr2-169242950-A-G. GRCh37 (hg19) VCF-style: chr2-170099460-A-G.
Identifiers: ClinVar variation 1523972 (VCV001523972.7), dbSNP rs2105386546, ClinGen allele CA2573134217.

ClinVar aggregate classification (germline): Uncertain significance. Review status: criteria provided, multiple submitters, no conflicts (2 of 4 stars). 2 submissions from 2 submitters: Uncertain significance (2). Last evaluated 2024-08-29.

Submissions (2):

Blueprint Genetics
Classification: Uncertain significance. Last evaluated: 2024-08-29. Review status: criteria provided, single submitter. Criteria: ACMG Guidelines, 2015. Collection method: clinical testing. Allele origin: germline.

Labcorp Genetics (formerly Invitae), Labcorp
Classification: Uncertain significance. Last evaluated: 2021-04-08. Review status: criteria provided, single submitter. Criteria: Invitae Variant Classification Sherloc (09022015). Collection method: clinical testing. Allele origin: germline.
Comment: Nucleotide substitutions within the consensus splice site are a relatively common cause of aberrant splicing (PMID: 17576681, 9536098). Algorithms developed to predict the effect of sequence changes on RNA splicing suggest that this variant may disrupt the consensus splice site, but this prediction has not been confirmed by published transcriptional studies. This variant has not been reported in the literature in individuals with LRP2-related conditions. This variant is not present in population databases (ExAC no frequency). This sequence change falls in intron 24 of the LRP2 gene. It does not directly change the encoded amino acid sequence of the LRP2 protein. It affects a nucleotide within the consensus splice site of the intron. In summary, the available evidence is currently insufficient to determine the role of this variant in disease. Therefore, it has been classified as a Variant of Uncertain Significance.

Literature cited by the submitters: PubMed 17576681 (cited by Labcorp Genetics (formerly Invitae), Labcorp); PubMed 9536098 (cited by Labcorp Genetics (formerly Invitae), Labcorp).